The following is an entry in ClinVar:

NM_006236.3(POU3F3):c.1342G>T (p.Glu448Ter)

Gene: POU3F3 (POU class 3 homeobox 3; plus strand). Cytogenetic location: 2q12.1.
Variant type: single nucleotide variant.
Coding change: c.1342G>T on transcript NM_006236.3 (MANE Select); coding-DNA position 1342, G replaced by T.
Protein change: p.Glu448Ter; replaces glutamic acid 448 with a stop codon.
Molecular consequence: nonsense.
Genome position (GRCh38, 1-based): chr2:104,856,852, G>T. VCF-style: chr2-104856852-G-T. GRCh37 (hg19) VCF-style: chr2-105473310-G-T.
Other names: short protein forms E448*.
Identifiers: ClinVar variation 1705728 (VCV001705728.1), dbSNP rs2466877069, ClinGen allele CA348098752.

ClinVar aggregate classification (germline): Likely pathogenic (1 of 4 stars; one submission).

Conditions:
Snijders blok-fisher syndrome. Identifiers: Orphanet 656135, MedGen C5231424, MONDO:0032830, OMIM 618604.

Submission:

3billion
Classification: Likely pathogenic for Snijders blok-fisher syndrome. Last evaluated: 2022-09-01. Review status: criteria provided, single submitter. Criteria: ACMG Guidelines, 2015. Collection method: clinical testing. Allele origin: germline. Affected: yes. Observed: 1 heterozygote.
Comment: The variant is not observed in the gnomAD v2.1.1 dataset. Stop-gained (nonsense) is predicted to result in a loss or disruption of normal protein function through protein truncation. This variant is classified as Likely pathogenic according to the recommendation of ACMG/AMP guideline.